The following is an entry in ClinVar:

NM_019892.6(INPP5E):c.201A>G (p.Ala67=)

Gene: INPP5E (inositol polyphosphate-5-phosphatase E; minus strand). Cytogenetic location: 9q34.3.
Variant type: single nucleotide variant.
Coding change: c.201A>G on transcript NM_019892.6 (MANE Select); coding-DNA position 201, A replaced by G.
Protein change: p.Ala67=; no amino-acid change (alanine 67 retained).
Molecular consequence: synonymous variant.
Genome position (GRCh38, 1-based): chr9:136,439,219, T>C on the plus strand (A>G on the coding strand, the complement: INPP5E is on the minus strand). VCF-style: chr9-136439219-T-C. GRCh37 (hg19) VCF-style: chr9-139333671-T-C.
Other names: c.201A>G (NM_019892.5); c.201A>G, p.Ala67= (NM_001318502.2).
Identifiers: ClinVar variation 1092617 (VCV001092617.17), dbSNP rs754529136, ClinGen allele CA5337204.

ClinVar aggregate classification (germline): Likely benign. Review status: criteria provided, multiple submitters, no conflicts (2 of 4 stars). 3 submissions from 3 submitters: Likely benign (2). 1 of the submissions does not count toward it. Last evaluated 2025-11-01.

Conditions:
INPP5E-related disorder. Also called: INPP5E-related condition.
Joubert syndrome. Also called: JOUBERT-BOLTSHAUSER SYNDROME; Familial aplasia of the vermis. Identifiers: Orphanet 475, MedGen C5979921, MONDO:0018772.

Allele frequency attached by ClinVar (database versions not stated): gnomAD exomes 0.00001; ExAC 0.00009.

Submissions (3):

CeGaT Center for Human Genetics Tuebingen
Classification: Likely benign. Last evaluated: 2025-11-01. Review status: criteria provided, single submitter. Criteria: CeGaT Center For Human Genetics Tuebingen Variant Classification Criteria Version 2. Collection method: clinical testing. Allele origin: germline. Affected: yes. Observed: 1 variant allele.
Comment: INPP5E: BP4, BP7

Labcorp Genetics (formerly Invitae), Labcorp
Classification: Likely benign for Joubert syndrome. Last evaluated: 2022-10-13. Review status: criteria provided, single submitter. Criteria: Invitae Variant Classification Sherloc (09022015). Collection method: clinical testing. Allele origin: germline.

PreventionGenetics, part of Exact Sciences
Classification: Likely benign for INPP5E-related condition. Last evaluated: 2024-01-23. Review status: no assertion criteria provided. Collection method: clinical testing. Allele origin: germline. Not counted in ClinVar's aggregate classification.
Comment: This variant is classified as likely benign based on ACMG/AMP sequence variant interpretation guidelines (Richards et al. 2015 PMID: 25741868, with internal and published modifications).